The following is an entry in ClinVar:

NM_001792.5(CDH2):c.2251A>G (p.Lys751Glu)

Gene: CDH2 (cadherin 2; minus strand). Cytogenetic location: 18q12.1.
Variant type: single nucleotide variant.
Coding change: c.2251A>G on transcript NM_001792.5 (MANE Select); coding-DNA position 2251, A replaced by G.
Protein change: p.Lys751Glu; replaces lysine 751 with glutamic acid.
Molecular consequence: missense variant.
Genome position (GRCh38, 1-based): chr18:27,983,042, T>C on the plus strand (A>G on the coding strand, the complement: CDH2 is on the minus strand). VCF-style: chr18-27983042-T-C. GRCh37 (hg19) VCF-style: chr18-25563006-T-C.
Other names: c.2158A>G, p.Lys720Glu (NM_001308176.2); short protein forms K720E, K751E.
Identifiers: ClinVar variation 3724053 (VCV003724053.2).

ClinVar aggregate classification (germline): Uncertain significance (1 of 4 stars; one submission).

gnomAD v4.1: 1 of 1,612,916 alleles (0.000062%); no homozygotes.

Submission:

Labcorp Genetics (formerly Invitae), Labcorp
Classification: Uncertain significance. Last evaluated: 2024-10-29. Review status: criteria provided, single submitter. Criteria: Invitae Variant Classification Sherloc (09022015). Collection method: clinical testing. Allele origin: germline.
Comment: This sequence change replaces lysine, which is basic and polar, with glutamic acid, which is acidic and polar, at codon 751 of the CDH2 protein (p.Lys751Glu). This variant is not present in population databases (gnomAD no frequency). This variant has not been reported in the literature in individuals affected with CDH2-related conditions. An algorithm developed to predict the effect of missense changes on protein structure and function (PolyPhen-2) suggests that this variant is likely to be disruptive. In summary, the available evidence is currently insufficient to determine the role of this variant in disease. Therefore, it has been classified as a Variant of Uncertain Significance.